The following is an entry in ClinVar:

ClinVar aggregate classification (germline): Pathogenic. Review status: criteria provided, multiple submitters, no conflicts (2 of 4 stars). 3 submissions from 3 submitters: Pathogenic (2). 1 of the submissions does not count toward it.

Conditions:
Autosomal recessive nonsyndromic hearing loss 4 (DFNB4). Also called: FOXI1-Related Pendred Syndrome; KCNJ10-Related Pendred Syndrome; Deafness, autosomal recessive 4, with enlarged vestibular aqueduct; Deafness, autosomal recessive 4; NEUROSENSORY NONSYNDROMIC RECESSIVE DEAFNESS 4; Nonsyndromic enlarged vestibular aqueduct (NSEVA). Identifiers: Orphanet 90636, MedGen C3538946, MONDO:0010933, OMIM 600791.
Pendred syndrome (PDS). Also called: Pendred's syndrome; THYROID DYSHORMONOGENESIS 2B; THYROID HORMONOGENESIS, GENETIC DEFECT IN, 2B; DEAFNESS WITH GOITER; GOITER-DEAFNESS SYNDROME; HYPOTHYROIDISM, CONGENITAL, DUE TO DYSHORMONOGENESIS, 2B. Identifiers: Orphanet 705, MedGen C0271829, MONDO:0010134, OMIM 274600.

Allele frequency attached by ClinVar (database versions not stated): TOPMed below 0.00001; gnomAD 0.00001.

Submissions (3):

Baylor Genetics
Classification: Pathogenic for Pendred syndrome. Review status: criteria provided, single submitter. Criteria: ACMG Guidelines, 2015. Collection method: clinical testing. Allele origin: germline.

Juno Genomics, Hangzhou Juno Genomics, Inc
Classification: Pathogenic for Autosomal recessive nonsyndromic hearing loss 4; Pendred syndrome. Review status: criteria provided, single submitter. Criteria: ACMG Guidelines, 2015. Collection method: clinical testing. Allele origin: germline.
Comment: Absent from controls (or at extremely low frequency if recessive) in Genome Aggregation Database.;Null variant in a gene where loss of function (LOF) is a known mechanism of disease.;For recessive disorders, detected in trans with a pathogenic variant.;Co-segregation with disease in multiple affected family members.

Genetic Testing Center for Deafness, Department of Otolaryngology Head & Neck Surgery, Institute of Otolaryngology, Chinese PLA General Hospital
Classification: Pathogenic for Autosomal recessive nonsyndromic hearing loss 4. Last evaluated: 2019-02-26. Review status: no assertion criteria provided. Collection method: case-control. Allele origin: inherited. Affected: yes. Observed: 1 variant allele. Not counted in ClinVar's aggregate classification.

NM_000441.2(SLC26A4):c.1746del (p.Ala584fs)

Gene: SLC26A4 (solute carrier family 26 member 4; plus strand). Cytogenetic location: 7q22.3.
Variant type: Deletion.
Coding change: c.1746del on transcript NM_000441.2 (MANE Select); coding-DNA position 1746, one base deleted (G; older notation c.1746delG).
Protein change: p.Ala584fs; shifts the reading frame from alanine 584.
Molecular consequence: frameshift variant.
Genome position (GRCh38, 1-based): chr7:107,701,139, G deleted. VCF-style (leftmost placement, unchanged base first): chr7-107701138-TG-T. GRCh37 (hg19) VCF-style: chr7-107341583-TG-T.
Other names: short protein forms A584fs.
Identifiers: ClinVar variation 627476 (VCV000627476.4), dbSNP rs1241745103, ClinGen allele CA831168807.